The following is an entry in ClinVar:

NM_007294.4(BRCA1):c.1243G>T (p.Val415Phe)

Gene: BRCA1 (BRCA1 DNA repair associated; minus strand). Cytogenetic location: 17q21.31.
Variant type: single nucleotide variant.
Coding change: c.1243G>T on transcript NM_007294.4 (MANE Select); coding-DNA position 1243, G replaced by T.
Protein change: p.Val415Phe; replaces valine 415 with phenylalanine.
Molecular consequence: missense variant. On other transcripts: intron variant (137).
Genome position (GRCh38, 1-based): chr17:43,094,288, C>A on the plus strand (G>T on the coding strand, the complement: BRCA1 is on the minus strand). VCF-style: chr17-43094288-C-A. GRCh37 (hg19) VCF-style: chr17-41246305-C-A.
Other names: c.1030G>T, p.Val344Phe (NM_001407571.1, NM_001407853.1, NM_001407894.1 and 9 more transcripts); c.1243G>T, p.Val415Phe (NM_001407581.1, NM_001407582.1, NM_001407583.1 and 30 more transcripts); c.1240G>T, p.Val414Phe (NM_001407587.1, NM_001407590.1, NM_001407591.1 and 22 more transcripts); c.1234G>T, p.Val412Phe (NM_001407646.1, NM_001407647.1); c.1120G>T, p.Val374Phe (NM_001407648.1, NM_001407664.1, NM_001407665.1 and 19 more transcripts); c.1117G>T, p.Val373Phe (NM_001407649.1, NM_001407670.1, NM_001407671.1 and 11 more transcripts); c.1165G>T, p.Val389Phe (NM_001407653.1, NM_001407654.1, NM_001407655.1 and 4 more transcripts); c.1162G>T, p.Val388Phe (NM_001407659.1, NM_001407660.1, NM_001407661.1 and 1 more transcripts); and 40 more; short protein forms V415F, V368F, V247F, V288F, V327F, V345F, V373F, V119F.
Identifiers: ClinVar variation 462555 (VCV000462555.13), dbSNP rs587782770, ClinGen allele CA10599565.

ClinVar aggregate classification (germline): Conflicting classifications of pathogenicity. Review status: criteria provided, conflicting classifications (1 of 4 stars). 3 submissions from 3 submitters: Uncertain significance (2); Likely benign (1). Last evaluated 2024-02-08.

Conditions:
Hereditary cancer-predisposing syndrome. Also called: Neoplastic Syndromes, Hereditary; Hereditary Cancer Syndrome; Hereditary neoplastic syndrome; Tumor predisposition. Identifiers: Orphanet 140162, MedGen C0027672, MeSH D009386, MONDO:0015356.
Hereditary breast ovarian cancer syndrome. Also called: Hereditary breast and ovarian cancer syndrome (HBOC); Hereditary breast and ovarian cancer syndrome; Breast and ovarian cancer; Hereditary breast and/or ovarian cancer syndrome; Hereditary breast and ovarian cancer; BRCA1- and BRCA2-Associated Hereditary Breast and Ovarian Cancer. Identifiers: Orphanet 145, MedGen C0677776, MeSH D061325, MONDO:0003582. Disease mechanism: loss of function.

Submissions (3):

Ambry Genetics
Classification: Uncertain significance for Hereditary cancer-predisposing syndrome. Last evaluated: 2024-02-08. Review status: criteria provided, single submitter. Criteria: Ambry Variant Classification Scheme 2023. Collection method: clinical testing. Allele origin: germline.
Comment: The p.V415F variant (also known as c.1243G>T), located in coding exon 9 of the BRCA1 gene, results from a G to T substitution at nucleotide position 1243. The valine at codon 415 is replaced by phenylalanine, an amino acid with highly similar properties. This amino acid position is not well conserved in available vertebrate species. In addition, the in silico prediction for this alteration is inconclusive. Based on the available evidence, the clinical significance of this alteration remains unclear.

University of Washington Department of Laboratory Medicine, University of Washington
Classification: Likely benign for Hereditary cancer-predisposing syndrome. Last evaluated: 2023-03-23. Review status: criteria provided, single submitter. Criteria: Dines et al. (Genet Med. 2020). Collection method: curation. Allele origin: germline.
Comment: Missense variant in a coldspot region where missense variants are very unlikely to be pathogenic (PMID:31911673).

BRCA1 coldspot (exon 11 using historical exon numbering). Reclassification based on statistical prior probability

Labcorp Genetics (formerly Invitae), Labcorp
Classification: Uncertain significance for Hereditary breast ovarian cancer syndrome. Last evaluated: 2017-04-11. Review status: criteria provided, single submitter. Criteria: Invitae Variant Classification Sherloc (09022015). Collection method: clinical testing. Allele origin: germline.
Comment: In summary, this variant is a novel missense change that is not predicted to affect protein function. There is no indication that it causes disease, but the available evidence is currently insufficient to prove that conclusively. Therefore, it has been classified as a Variant of Uncertain Significance. Algorithms developed to predict the effect of missense changes on protein structure and function output the following: SIFT: "Tolerated"; PolyPhen-2: "Possibly Damaging"; Align-GVGD: "Class C0". The phenylalanine amino acid residue is found in multiple mammalian species, suggesting that this missense change does not adversely affect protein function. These predictions have not been confirmed by published functional studies. This variant is not present in population databases (ExAC no frequency) and has not been reported in the literature in individuals with a BRCA1-related disease. This sequence change replaces valine with phenylalanine at codon 415 of the BRCA1 protein (p.Val415Phe). The valine residue is moderately conserved and there is a small physicochemical difference between valine and phenylalanine.